The following is an entry in ClinVar:

NM_002335.4(LRP5):c.1384C>T (p.Arg462Ter)

Gene: LRP5 (LDL receptor related protein 5; plus strand). Cytogenetic location: 11q13.2.
Variant type: single nucleotide variant.
Coding change: c.1384C>T on transcript NM_002335.4 (MANE Select); coding-DNA position 1384, C replaced by T.
Protein change: p.Arg462Ter; replaces arginine 462 with a stop codon.
Molecular consequence: nonsense. On other transcripts: 5 prime UTR variant (1).
Genome position (GRCh38, 1-based): chr11:68,386,684, C>T. VCF-style: chr11-68386684-C-T. GRCh37 (hg19) VCF-style: chr11-68154152-C-T.
Other names: c.-382C>T (NM_001291902.2); short protein forms R462*.
Identifiers: ClinVar variation 1071543 (VCV001071543.9), dbSNP rs1200833757, ClinGen allele CA381612830.

ClinVar aggregate classification (germline): Pathogenic/Likely pathogenic. Review status: criteria provided, multiple submitters, no conflicts (2 of 4 stars). 2 submissions from 2 submitters: Pathogenic (1); Likely pathogenic (1). Last evaluated 2023-11-27.

Conditions:
Osteoporosis. Identifiers: MedGen C0029456, MONDO:0005298, OMIM 166710, HP:0000939.

Allele frequency attached by ClinVar (database versions not stated): gnomAD exomes below 0.00001.
gnomAD v4.1: 1 of 1,613,322 alleles (0.000062%); highest among the groups gnomAD compares: Non-Finnish European, 0.000085%; no homozygotes.

Submissions (2):

Labcorp Genetics (formerly Invitae), Labcorp
Classification: Pathogenic. Last evaluated: 2023-11-27. Review status: criteria provided, single submitter. Criteria: Invitae Variant Classification Sherloc (09022015). Collection method: clinical testing. Allele origin: germline.
Comment: This sequence change creates a premature translational stop signal (p.Arg462*) in the LRP5 gene. It is expected to result in an absent or disrupted protein product. Loss-of-function variants in LRP5 are known to be pathogenic (PMID: 11719191, 16252235, 25711638). The frequency data for this variant in the population databases is considered unreliable, as metrics indicate poor data quality at this position in the gnomAD database. This premature translational stop signal has been observed in individuals with autosomal dominant familial exudative vitreoretinopathy and autosomal recessive osteoporosis-pseudoglioma syndrome (PMID: 28494495, 29055141; Invitae). ClinVar contains an entry for this variant (Variation ID: 1071543). For these reasons, this variant has been classified as Pathogenic.

Baylor Genetics
Classification: Likely pathogenic for Osteoporosis. Last evaluated: 2023-07-11. Review status: criteria provided, single submitter. Criteria: ACMG Guidelines, 2015. Collection method: clinical testing. Allele origin: unknown.

Literature cited by the submitters: PubMed 11719191 (cited by Labcorp Genetics (formerly Invitae), Labcorp); PubMed 16252235 (cited by Labcorp Genetics (formerly Invitae), Labcorp); PubMed 25711638 (cited by Labcorp Genetics (formerly Invitae), Labcorp); PubMed 28494495 (cited by Labcorp Genetics (formerly Invitae), Labcorp); PubMed 29055141 (cited by Labcorp Genetics (formerly Invitae), Labcorp).